The following is an entry in ClinVar:

NM_000059.4(BRCA2):c.6721_6735del (p.Thr2241_Leu2245del)

Gene: BRCA2 (BRCA2 DNA repair associated; plus strand). Cytogenetic location: 13q13.1.
Variant type: Deletion.
Coding change: c.6721_6735del on transcript NM_000059.4 (MANE Select); coding-DNA positions 6721 to 6735, 15 bases deleted (ACAGATTCTAAACTG).
Protein change: p.Thr2241_Leu2245del.
Molecular consequence: inframe deletion. On other transcripts: non-coding transcript variant (1), intron variant (2).
Genome position (GRCh38, 1-based): chr13:32,341,076-32,341,090, ACAGATTCTAAACTG deleted; deleting any 15 consecutive bases within chr13:32,341,071-32,341,090 gives the same sequence; the c. name uses the placement nearest the transcript's 3' end. VCF-style (leftmost placement, unchanged base first): chr13-32341070-GAACTGACAGATTCTA-G. GRCh37 (hg19) VCF-style: chr13-32915207-GAACTGACAGATTCTA-G.
Other names: c.6721_6735del, p.Thr2241_Leu2245del (NM_001406719.1, NM_001406720.1); c.1910-3482_1910-3468del (NM_001406721.1); c.425-3482_425-3468del (NM_001406722.1); c.6721_6735del15 (NM_000059.3).
Identifiers: ClinVar variation 2749136 (VCV002749136.4), dbSNP rs2548533937, ClinGen allele CA2622600610.

ClinVar aggregate classification (germline): Uncertain significance. Review status: criteria provided, multiple submitters, no conflicts (2 of 4 stars). 2 submissions from 2 submitters: Uncertain significance (2). Last evaluated 2024-12-19.

Conditions:
Hereditary cancer-predisposing syndrome. Also called: Hereditary Cancer Syndrome; Neoplastic Syndromes, Hereditary; Tumor predisposition; Hereditary neoplastic syndrome. Identifiers: Orphanet 140162, MedGen C0027672, MeSH D009386, MONDO:0015356.
Hereditary breast ovarian cancer syndrome. Also called: BRCA1- and BRCA2-Associated Hereditary Breast and Ovarian Cancer; Breast and ovarian cancer; Hereditary breast and/or ovarian cancer syndrome; Hereditary breast and ovarian cancer; Hereditary breast and ovarian cancer syndrome (HBOC); Hereditary breast and ovarian cancer syndrome. Identifiers: Orphanet 145, MedGen C0677776, MeSH D061325, MONDO:0003582. Disease mechanism: loss of function.

Submissions (2):

Ambry Genetics
Classification: Uncertain significance for Hereditary cancer-predisposing syndrome. Last evaluated: 2024-12-19. Review status: criteria provided, single submitter. Criteria: Ambry Variant Classification Scheme 2023. Collection method: clinical testing. Allele origin: germline.
Comment: The c.6721_6735del15 variant (also known as p.T2241_L2245del) is located in coding exon 10 of the BRCA2 gene. This variant results from an in-frame deletion of 15 nucleotides (ACAGATTCTAAACTG) at positions 6721 to 6735. This results in the in-frame deletion of 5 amino acids (TDSKL) at codons 2241 to 2245. The deleted amino acids are well conserved in available vertebrate species. In addition, this alteration is predicted to be deleterious by in silico analysis (Choi Y et al. PLoS ONE. 2012; 7(10):e46688). Based on the available evidence, the clinical significance of this variant remains unclear.

Labcorp Genetics (formerly Invitae), Labcorp
Classification: Uncertain significance for Hereditary breast ovarian cancer syndrome. Last evaluated: 2023-05-30. Review status: criteria provided, single submitter. Criteria: Invitae Variant Classification Sherloc (09022015). Collection method: clinical testing. Allele origin: germline.
Comment: In summary, the available evidence is currently insufficient to determine the role of this variant in disease. Therefore, it has been classified as a Variant of Uncertain Significance. Experimental studies and prediction algorithms are not available or were not evaluated, and the functional significance of this variant is currently unknown. This variant has not been reported in the literature in individuals affected with BRCA2-related conditions. This variant is not present in population databases (gnomAD no frequency). This variant, c.6721_6735del, results in the deletion of 5 amino acid(s) of the BRCA2 protein (p.Thr2241_Leu2245del), but otherwise preserves the integrity of the reading frame.